The following is an entry in ClinVar:

ClinVar aggregate classification (germline): Uncertain significance. Review status: criteria provided, multiple submitters, no conflicts (2 of 4 stars). 2 submissions from 2 submitters: Uncertain significance (2). Last evaluated 2025-05-13.

Conditions:
Breast-ovarian cancer, familial, susceptibility to, 4. Identifiers: Orphanet 145, MedGen C3280345, MONDO:0013669, OMIM 614291.

Allele frequency attached by ClinVar (database versions not stated): gnomAD exomes below 0.00001.
gnomAD v4.1: 1 of 1,612,942 alleles (0.000062%); highest among the groups gnomAD compares: Non-Finnish European, 0.000085%; no homozygotes.

Submissions (2):

Labcorp Genetics (formerly Invitae), Labcorp
Classification: Uncertain significance for Breast-ovarian cancer, familial, susceptibility to, 4. Last evaluated: 2025-05-13. Review status: criteria provided, single submitter. Criteria: Invitae Variant Classification Sherloc (09022015). Collection method: clinical testing. Allele origin: germline.
Comment: This sequence change replaces alanine, which is neutral and non-polar, with valine, which is neutral and non-polar, at codon 190 of the RAD51D protein (p.Ala190Val). The frequency data for this variant in the population databases is considered unreliable, as metrics indicate poor data quality at this position in the gnomAD database. This variant has not been reported in the literature in individuals affected with RAD51D-related conditions. ClinVar contains an entry for this variant (Variation ID: 952052). An algorithm developed to predict the effect of missense changes on protein structure and function (PolyPhen-2) suggests that this variant is likely to be tolerated. In summary, the available evidence is currently insufficient to determine the role of this variant in disease. Therefore, it has been classified as a Variant of Uncertain Significance.

GeneDx
Classification: Uncertain significance. Last evaluated: 2019-05-24. Review status: criteria provided, single submitter. Criteria: GeneDx Variant Classification Process June 2021. Collection method: clinical testing. Allele origin: germline. Affected: yes.
Comment: Has not been previously published as pathogenic or benign to our knowledge

NM_002878.4(RAD51D):c.569C>T (p.Ala190Val)

Genes: RAD51L3-RFFL (RAD51L3-RFFL readthrough; minus strand), RAD51D (RAD51 paralog D; minus strand). Cytogenetic location: 17q12.
Variant type: single nucleotide variant.
Coding change: c.569C>T on transcript NM_002878.4 (MANE Select); coding-DNA position 569, C replaced by T.
Protein change: p.Ala190Val; replaces alanine 190 with valine.
Molecular consequence: missense variant. On other transcripts: non-coding transcript variant (3).
Genome position (GRCh38, 1-based): chr17:35,106,393, G>A on the plus strand (C>T on the coding strand, the complement: RAD51D is on the minus strand). VCF-style: chr17-35106393-G-A. GRCh37 (hg19) VCF-style: chr17-33433412-G-A.
Other names: c.629C>T, p.Ala210Val (NM_001142571.2); c.233C>T, p.Ala78Val (NM_133629.3); short protein forms A210V, A190V, A78V.
Identifiers: ClinVar variation 952052 (VCV000952052.8), dbSNP rs1435997941, ClinGen allele CA399088541.